The following is an entry in ClinVar:

ClinVar aggregate classification (germline): Uncertain significance (1 of 4 stars; one submission).

Submission:

Labcorp Genetics (formerly Invitae), Labcorp
Classification: Uncertain significance. Last evaluated: 2022-06-05. Review status: criteria provided, single submitter. Criteria: Invitae Variant Classification Sherloc (09022015). Collection method: clinical testing. Allele origin: germline.
Comment: This sequence change replaces alanine, which is neutral and non-polar, with threonine, which is neutral and polar, at codon 45 of the ADCY5 protein (p.Ala45Thr). This variant is not present in population databases (gnomAD no frequency). This variant has not been reported in the literature in individuals affected with ADCY5-related conditions. ClinVar contains an entry for this variant (Variation ID: 1394099). Advanced modeling of protein sequence and biophysical properties (such as structural, functional, and spatial information, amino acid conservation, physicochemical variation, residue mobility, and thermodynamic stability) performed at Invitae indicates that this missense variant is not expected to disrupt ADCY5 protein function. In summary, the available evidence is currently insufficient to determine the role of this variant in disease. Therefore, it has been classified as a Variant of Uncertain Significance.

NM_183357.3(ADCY5):c.133G>A (p.Ala45Thr)

Gene: ADCY5 (adenylate cyclase 5; minus strand). Cytogenetic location: 3q21.1.
Variant type: single nucleotide variant.
Coding change: c.133G>A on transcript NM_183357.3 (MANE Select); coding-DNA position 133, G replaced by A.
Protein change: p.Ala45Thr; replaces alanine 45 with threonine.
Molecular consequence: missense variant.
Genome position (GRCh38, 1-based): chr3:123,448,413, C>T on the plus strand (G>A on the coding strand, the complement: ADCY5 is on the minus strand). VCF-style: chr3-123448413-C-T. GRCh37 (hg19) VCF-style: chr3-123167260-C-T.
Other names: c.133G>A, p.Ala45Thr (NM_001378259.1); short protein forms A45T.
Identifiers: ClinVar variation 1394099 (VCV001394099.6), dbSNP rs766890471, ClinGen allele CA354358846.